The following is an entry in ClinVar:

ClinVar aggregate classification (germline): Uncertain significance. Review status: criteria provided, multiple submitters, no conflicts (2 of 4 stars). 3 submissions from 3 submitters: Uncertain significance (3). Last evaluated 2024-09-27.

Conditions:
Hereditary cancer-predisposing syndrome. Also called: Neoplastic Syndromes, Hereditary; Hereditary Cancer Syndrome; Hereditary neoplastic syndrome; Tumor predisposition. Identifiers: Orphanet 140162, MedGen C0027672, MeSH D009386, MONDO:0015356.
Cardiovascular phenotype. Identifiers: MedGen CN230736.
Neurofibromatosis, type 1 (NF1). Also called: Neurofibromatosis, type I; Peripheral type neurofibromatosis; VON RECKLINGHAUSEN DISEASE; NEUROFIBROMATOSIS, TYPE I, SOMATIC. Identifiers: Orphanet 636, MedGen C0027831, MONDO:0018975, OMIM 162200. Disease mechanism: loss of function.

Submissions (3):

Labcorp Genetics (formerly Invitae), Labcorp
Classification: Uncertain significance for Neurofibromatosis, type 1. Last evaluated: 2024-09-27. Review status: criteria provided, single submitter. Criteria: Invitae Variant Classification Sherloc (09022015). Collection method: clinical testing. Allele origin: germline.
Comment: This sequence change replaces proline, which is neutral and non-polar, with serine, which is neutral and polar, at codon 1400 of the NF1 protein (p.Pro1400Ser). This variant is not present in population databases (gnomAD no frequency). This variant has not been reported in the literature in individuals affected with NF1-related conditions. ClinVar contains an entry for this variant (Variation ID: 824661). Invitae Evidence Modeling of protein sequence and biophysical properties (such as structural, functional, and spatial information, amino acid conservation, physicochemical variation, residue mobility, and thermodynamic stability) indicates that this missense variant is expected to disrupt NF1 protein function with a positive predictive value of 95%. In summary, the available evidence is currently insufficient to determine the role of this variant in disease. Therefore, it has been classified as a Variant of Uncertain Significance.

Genome-Nilou Lab
Classification: Uncertain significance for Neurofibromatosis, type 1. Last evaluated: 2022-03-15. Review status: criteria provided, single submitter. Criteria: ACMG Guidelines, 2015. Collection method: clinical testing. Allele origin: germline. Affected: no.

Ambry Genetics
Classification: Uncertain significance for Cardiovascular phenotype; Hereditary cancer-predisposing syndrome. Last evaluated: 2018-10-30. Review status: criteria provided, single submitter. Criteria: Ambry Variant Classification Scheme 2023. Collection method: clinical testing. Allele origin: germline.
Comment: The p.P1400S variant (also known as c.4198C>T), located in coding exon 31 of the NF1 gene, results from a C to T substitution at nucleotide position 4198. The proline at codon 1400 is replaced by serine, an amino acid with similar properties. This amino acid position is highly conserved in available vertebrate species. In addition, this alteration is predicted to be deleterious by in silico analysis. Since supporting evidence is limited at this time, the clinical significance of this alteration remains unclear.

NM_001042492.3(NF1):c.4261C>T (p.Pro1421Ser)

Gene: NF1 (neurofibromin 1; plus strand). Cytogenetic location: 17q11.2.
Variant type: single nucleotide variant.
Coding change: c.4261C>T on transcript NM_001042492.3 (MANE Select); coding-DNA position 4261, C replaced by T.
Protein change: p.Pro1421Ser; replaces proline 1421 with serine.
Molecular consequence: missense variant.
Genome position (GRCh38, 1-based): chr17:31,258,431, C>T. VCF-style: chr17-31258431-C-T. GRCh37 (hg19) VCF-style: chr17-29585449-C-T.
Other names: c.4198C>T, p.Pro1400Ser (NM_000267.4); short protein forms P1400S, P1421S.
Identifiers: ClinVar variation 824661 (VCV000824661.12), dbSNP rs1347152182, ClinGen allele CA398997932.
Genomic context (GRCh38, chr17:31,258,431, plus strand): 5'-AGCATCGGTGCAGTAGGAAGTGCCATGTTCCTCAGATTTATCAATCCTGCCATTGTCTCA[C>T]CGTATGAAGCAGGGATTTTAGATAAAAAGCCACCACCTAGAATCGAAAGGGGCTTGAAGT-3'
Protein context (NP_001035957.1, residues 1411-1431): LRFINPAIVS[Pro1421Ser]YEAGILDKKP